The following is an entry in ClinVar:

ClinVar aggregate classification (germline): Uncertain significance. Review status: criteria provided, multiple submitters, no conflicts (2 of 4 stars). 2 submissions from 2 submitters: Uncertain significance (2). Last evaluated 2026-03-24.

Conditions:
Hereditary cancer-predisposing syndrome. Also called: Tumor predisposition; Neoplastic Syndromes, Hereditary; Hereditary Cancer Syndrome; Hereditary neoplastic syndrome. Identifiers: Orphanet 140162, MedGen C0027672, MeSH D009386, MONDO:0015356.
Tuberous sclerosis 2 (TSC2). Identifiers: Orphanet 805, MedGen C1860707, MONDO:0013199, OMIM 613254.

Submissions (2):

Ambry Genetics
Classification: Uncertain significance for Hereditary cancer-predisposing syndrome. Last evaluated: 2026-03-24. Review status: criteria provided, single submitter. Criteria: Ambry Variant Classification Scheme 2023. Collection method: clinical testing. Allele origin: germline.
Comment: The p.D1598V variant (also known as c.4793A>T), located in coding exon 36 of the TSC2 gene, results from an A to T substitution at nucleotide position 4793. The aspartic acid at codon 1598 is replaced by valine, an amino acid with highly dissimilar properties. This amino acid position is highly conserved in available vertebrate species. In addition, this alteration is predicted to be deleterious by in silico analysis. Based on the available evidence, the clinical significance of this variant remains unclear.

Labcorp Genetics (formerly Invitae), Labcorp
Classification: Uncertain significance for Tuberous sclerosis 2. Last evaluated: 2023-06-09. Review status: criteria provided, single submitter. Criteria: Invitae Variant Classification Sherloc (09022015). Collection method: clinical testing. Allele origin: germline.
Comment: This variant has not been reported in the literature in individuals affected with TSC2-related conditions. This variant is not present in population databases (gnomAD no frequency). This sequence change replaces aspartic acid, which is acidic and polar, with valine, which is neutral and non-polar, at codon 1598 of the TSC2 protein (p.Asp1598Val). ClinVar contains an entry for this variant (Variation ID: 1417842). In summary, the available evidence is currently insufficient to determine the role of this variant in disease. Therefore, it has been classified as a Variant of Uncertain Significance. Advanced modeling of protein sequence and biophysical properties (such as structural, functional, and spatial information, amino acid conservation, physicochemical variation, residue mobility, and thermodynamic stability) performed at Invitae indicates that this missense variant is expected to disrupt TSC2 protein function.

NM_000548.5(TSC2):c.4793A>T (p.Asp1598Val)

Gene: TSC2 (TSC complex subunit 2; plus strand). Cytogenetic location: 16p13.3.
Variant type: single nucleotide variant.
Coding change: c.4793A>T on transcript NM_000548.5 (MANE Select); coding-DNA position 4793, A replaced by T.
Protein change: p.Asp1598Val; replaces aspartic acid 1598 with valine.
Molecular consequence: missense variant.
Genome position (GRCh38, 1-based): chr16:2,086,323, A>T. VCF-style: chr16-2086323-A-T. GRCh37 (hg19) VCF-style: chr16-2136324-A-T.
Other names: c.4592A>T, p.Asp1531Val (NM_001077183.3); c.4724A>T, p.Asp1575Val (NM_001114382.3); c.4484A>T, p.Asp1495Val (NM_001318827.2); c.4448A>T, p.Asp1483Val (NM_001318829.2); c.4061A>T, p.Asp1354Val (NM_001318831.2); c.4625A>T, p.Asp1542Val (NM_001318832.2); c.4595A>T, p.Asp1532Val (NM_001363528.2); c.4661A>T, p.Asp1554Val (NM_001370404.1); and 1 more; short protein forms D1542V, D1483V, D1495V, D1531V, D1532V, D1554V, D1575V, D1598V.
Identifiers: ClinVar variation 1417842 (VCV001417842.11), dbSNP rs2151574689, ClinGen allele CA394308001.